The following is an entry in ClinVar:

ClinVar aggregate classification (germline): Pathogenic/Likely pathogenic. Review status: criteria provided, multiple submitters, no conflicts (2 of 4 stars). 5 submissions from 5 submitters: Pathogenic (1); Likely pathogenic (1). 3 of the submissions do not count toward it. Last evaluated 2025-12-25.

Conditions:
GRM6-related disorder. Also called: GRM6-related condition.
Congenital stationary night blindness 1B. Also called: Night blindness, congenital stationary (complete), 1B, autosomal recessive; NIGHT BLINDNESS, CONGENITAL STATIONARY, COMPLETE, AUTOSOMAL RECESSIVE. Identifiers: Orphanet 215, MedGen C1850362, MONDO:0009758, OMIM 257270.
GRM6-related disorders.

Submissions (5):

Labcorp Genetics (formerly Invitae), Labcorp
Classification: Pathogenic. Last evaluated: 2025-12-25. Review status: criteria provided, single submitter. Criteria: Invitae Variant Classification Sherloc (09022015). Collection method: clinical testing. Allele origin: germline.
Comment: This sequence change creates a premature translational stop signal (p.Val243Glyfs*40) in the GRM6 gene. It is expected to result in an absent or disrupted protein product. Loss-of-function variants in GRM6 are known to be pathogenic (PMID: 15781871, 16622103, 22008250). This variant is present in population databases (rs281865186, gnomAD 0.006%). This premature translational stop signal has been observed in individual(s) with congenital stationary night blindness (PMID: 16249515). This variant is also known as c.720_721insG. ClinVar contains an entry for this variant (Variation ID: 99658). For these reasons, this variant has been classified as Pathogenic.

Blueprint Genetics
Classification: Likely pathogenic for GRM6-related disorders. Last evaluated: 2024-02-26. Review status: criteria provided, single submitter. Criteria: ACMG Guidelines, 2015. Collection method: clinical testing. Allele origin: germline. Affected: yes. Observed: 4 variant alleles.

PreventionGenetics, part of Exact Sciences
Classification: Pathogenic for GRM6-related condition. Last evaluated: 2024-09-27. Review status: no assertion criteria provided. Collection method: clinical testing. Allele origin: germline. Not counted in ClinVar's aggregate classification.
Comment: The GRM6 c.727dupG variant is predicted to result in a frameshift and premature protein termination (p.Val243Glyfs*40). This variant is alternatively referred to as c.720_721insG in the literature. This variant has been reported as maternally inherited in the compound heterozygous state in an individual with congenital, stationary night blindness (CSNB) and both familial variants were absent in the patient's unaffected sibling (Zeitz et al. 2005. PubMed ID: 16249515). Loss-of-function variants in GRM6 are known to be pathogenic (Dryja et al. 2005. PMID: 15781871). The c.727dupG variant is reported in 0.0070% of alleles in individuals of European (non-Finnish) descent in gnomAD. This variant is interpreted as pathogenic.

OMIM
Classification: Pathogenic for NIGHT BLINDNESS, CONGENITAL STATIONARY, TYPE 1B. Last evaluated: 2005-11-01. Review status: no assertion criteria provided. Collection method: literature only. Allele origin: germline. Not counted in ClinVar's aggregate classification.

Retina International
No classification provided. Review status: no classification provided. Collection method: not provided. Allele origin: not provided. Not counted in ClinVar's aggregate classification.

Literature cited by the submitters: PubMed 15781871 (cited by Labcorp Genetics (formerly Invitae), Labcorp); PubMed 16622103 (cited by Labcorp Genetics (formerly Invitae), Labcorp); PubMed 22008250 (cited by Labcorp Genetics (formerly Invitae), Labcorp); PubMed 16249515 (cited by Labcorp Genetics (formerly Invitae), Labcorp and OMIM).

NM_000843.4(GRM6):c.727dup

Gene: GRM6 (glutamate metabotropic receptor 6; minus strand). Cytogenetic location: 5q35.3.
Variant type: Duplication.
Coding change: c.727dup on transcript NM_000843.4 (MANE Select); coding-DNA position 727, one base duplicated (G; older notation c.727dupG).
Molecular consequence: splice acceptor variant.
Genome position (GRCh38, 1-based): chr5:178,991,554, C duplicated on the plus strand (G on the coding strand, the reverse complement: GRM6 is on the minus strand); the first of 7 consecutive C bases (chr5:178,991,554-178,991,560); duplicating any one gives the same sequence. VCF-style (leftmost placement, unchanged base first): chr5-178991553-A-AC. GRCh37 (hg19) VCF-style: chr5-178418554-A-AC.
Other names: c.727dupG (NM_000843.3).
Identifiers: ClinVar variation 99658 (VCV000099658.9), dbSNP rs281865186, ClinGen allele CA227695.